The following is an entry in ClinVar:

NM_001369.3(DNAH5):c.5198C>A (p.Ser1733Ter)

Gene: DNAH5 (dynein axonemal heavy chain 5; minus strand). Cytogenetic location: 5p15.2.
Variant type: single nucleotide variant.
Coding change: c.5198C>A on transcript NM_001369.3 (MANE Select); coding-DNA position 5198, C replaced by A.
Protein change: p.Ser1733Ter; replaces serine 1733 with a stop codon.
Molecular consequence: nonsense.
Genome position (GRCh38, 1-based): chr5:13,844,910, G>T on the plus strand (C>A on the coding strand, the complement: DNAH5 is on the minus strand). VCF-style: chr5-13844910-G-T. GRCh37 (hg19) VCF-style: chr5-13845019-G-T.
Other names: short protein forms S1733*.
Identifiers: ClinVar variation 577598 (VCV000577598.10), dbSNP rs146087064, ClinGen allele CA359214105.
Genomic context (GRCh38, chr5:13,844,910, plus strand): 5'-TTGACAGATTTAATGTTGTCAAACACATTCAGCAAATGGGCCTGTATAGTGTGGGAGTCC[G>T]ACGCCTGCCCCAGAATCTCTAGAAGGGCAGGATCTGAGACGAAGAAAAACCGAGGAAAGC-3'

ClinVar aggregate classification (germline): Pathogenic/Likely pathogenic. Review status: criteria provided, multiple submitters, no conflicts (2 of 4 stars). 2 submissions from 2 submitters: Pathogenic (1); Likely pathogenic (1). Last evaluated 2025-02-11.

Conditions:
Primary ciliary dyskinesia. Also called: Ciliary dyskinesia. Identifiers: Orphanet 244, MedGen C0008780, MONDO:0016575, HP:0012265.

Submissions (2):

Natera, Inc.
Classification: Likely pathogenic for Primary ciliary dyskinesia. Last evaluated: 2025-02-11. Review status: criteria provided, single submitter. Criteria: Natera Variant Classification Schema (03/2026). Collection method: clinical testing. Allele origin: germline.
Comment: The c.5198C>A variant in DNAH5 is a nonsense variant predicted to introduce a stop codon at amino acid 1733. This variant is expected to result in nonsense mediated decay, truncation, or a dysfunctional protein product. This variant is rare in the general population with a frequency below the threshold expected for the associated phenotype(s). Given the available evidence, this variant is classified as Likely Pathogenic.

Labcorp Genetics (formerly Invitae), Labcorp
Classification: Pathogenic for Primary ciliary dyskinesia. Last evaluated: 2023-06-10. Review status: criteria provided, single submitter. Criteria: Invitae Variant Classification Sherloc (09022015). Collection method: clinical testing. Allele origin: germline.
Comment: This variant is not present in population databases (gnomAD no frequency). For these reasons, this variant has been classified as Pathogenic. Algorithms developed to predict the effect of sequence changes on RNA splicing suggest that this variant may disrupt the consensus splice site. ClinVar contains an entry for this variant (Variation ID: 577598). This premature translational stop signal has been observed in individual(s) with DNAH5-related conditions (Invitae). This sequence change creates a premature translational stop signal (p.Ser1733*) in the DNAH5 gene. It is expected to result in an absent or disrupted protein product. Loss-of-function variants in DNAH5 are known to be pathogenic (PMID: 11788826, 16627867).

Literature cited by the submitters: PubMed 11788826 (cited by Labcorp Genetics (formerly Invitae), Labcorp); PubMed 16627867 (cited by Labcorp Genetics (formerly Invitae), Labcorp).